The following is an entry in ClinVar:

NM_001041.4(SI):c.4114G>C (p.Glu1372Gln)

Gene: SI (sucrase-isomaltase; minus strand). Cytogenetic location: 3q26.1.
Variant type: single nucleotide variant.
Coding change: c.4114G>C on transcript NM_001041.4 (MANE Select); coding-DNA position 4114, G replaced by C.
Protein change: p.Glu1372Gln; replaces glutamic acid 1372 with glutamine.
Molecular consequence: missense variant.
Genome position (GRCh38, 1-based): chr3:165,009,344, C>G on the plus strand (G>C on the coding strand, the complement: SI is on the minus strand). VCF-style: chr3-165009344-C-G. GRCh37 (hg19) VCF-style: chr3-164727132-C-G.
Other names: short protein forms E1372Q.
Identifiers: ClinVar variation 2990273 (VCV002990273.3), dbSNP rs755154831, ClinGen allele CA2690006.

ClinVar aggregate classification (germline): Uncertain significance (1 of 4 stars; one submission).

Allele frequency attached by ClinVar (database versions not stated): ExAC 0.00001.
gnomAD v4.1: 8 of 1,613,696 alleles (0.0005%); highest among the groups gnomAD compares: Non-Finnish European, 0.00068%; no homozygotes.

Submission:

Labcorp Genetics (formerly Invitae), Labcorp
Classification: Uncertain significance. Last evaluated: 2023-12-19. Review status: criteria provided, single submitter. Criteria: Invitae Variant Classification Sherloc (09022015). Collection method: clinical testing. Allele origin: germline.
Comment: This sequence change replaces glutamic acid, which is acidic and polar, with glutamine, which is neutral and polar, at codon 1372 of the SI protein (p.Glu1372Gln). This variant is present in population databases (rs755154831, gnomAD 0.0009%). This variant has not been reported in the literature in individuals affected with SI-related conditions. Algorithms developed to predict the effect of missense changes on protein structure and function output the following: SIFT: "Not Available"; PolyPhen-2: "Benign"; Align-GVGD: "Not Available". The glutamine amino acid residue is found in multiple mammalian species, which suggests that this missense change does not adversely affect protein function. In summary, the available evidence is currently insufficient to determine the role of this variant in disease. Therefore, it has been classified as a Variant of Uncertain Significance.